The following is an entry in ClinVar:

NM_000312.4(PROC):c.423_425delinsTCC (p.Leu142Pro)

Gene: PROC (protein C, inactivator of coagulation factors Va and VIIIa; plus strand). Cytogenetic location: 2q14.3.
Variant type: Indel.
Coding change: c.423_425delinsTCC on transcript NM_000312.4 (MANE Select); coding-DNA positions 423 to 425, GCT replaced by TCC.
Protein change: p.Leu142Pro; replaces leucine 142 with proline.
Molecular consequence: missense variant. On other transcripts: intron variant (1).
Genome position (GRCh38, 1-based): chr2:127,423,296-127,423,298, GCT replaced by TCC. VCF-style: chr2-127423296-GCT-TCC. GRCh37 (hg19) VCF-style: chr2-128180872-GCT-TCC.
Other names: c.606_608delinsTCC, p.Leu203Pro (NM_001375602.1); c.588_590delinsTCC, p.Leu197Pro (NM_001375603.1); c.486_488delinsTCC, p.Leu163Pro (NM_001375604.1); c.525_527delinsTCC, p.Leu176Pro (NM_001375605.1); c.591_593delinsTCC, p.Leu198Pro (NM_001375606.1); c.609_611delinsTCC, p.Leu204Pro (NM_001375607.1); c.399_401delinsTCC, p.Leu134Pro (NM_001375609.1); c.417_419delinsTCC, p.Leu140Pro (NM_001375610.1); and 2 more; short protein forms L134P, L140P, L142P, L163P, L176P, L197P, L198P, L203P.
Identifiers: ClinVar variation 1879484 (VCV001879484.29), dbSNP rs2468339349, ClinGen allele CA2580063798.

ClinVar aggregate classification (germline): Uncertain significance (1 of 4 stars; one submission).

Submission:

CeGaT Center for Human Genetics Tuebingen
Classification: Uncertain significance. Last evaluated: 2022-11-01. Review status: criteria provided, single submitter. Criteria: CeGaT Center For Human Genetics Tuebingen Variant Classification Criteria Version 2. Collection method: clinical testing. Allele origin: germline. Affected: yes. Observed: 1 variant allele.
Comment: PROC: PM2, BP4